The following is an entry in ClinVar:

NM_178138.6(LHX3):c.971C>T (p.Pro324Leu)

Gene: LHX3 (LIM homeobox 3; minus strand). Cytogenetic location: 9q34.3.
Variant type: single nucleotide variant.
Coding change: c.971C>T on transcript NM_178138.6 (MANE Select); coding-DNA position 971, C replaced by T.
Protein change: p.Pro324Leu; replaces proline 324 with leucine.
Molecular consequence: missense variant.
Genome position (GRCh38, 1-based): chr9:136,197,548, G>A on the plus strand (C>T on the coding strand, the complement: LHX3 is on the minus strand). VCF-style: chr9-136197548-G-A. GRCh37 (hg19) VCF-style: chr9-139089394-G-A.
Other names: c.986C>T (NM_014564.4); c.938C>T, p.Pro313Leu (NM_001363746.1); c.986C>T, p.Pro329Leu (NM_014564.5); short protein forms P313L, P324L, P329L.
Identifiers: ClinVar variation 3907457 (VCV003907457.3).

ClinVar aggregate classification (germline): Uncertain significance. Review status: criteria provided, multiple submitters, no conflicts (2 of 4 stars). 3 submissions from 3 submitters: Uncertain significance (3). Last evaluated 2026-04-12.

Conditions:
LHX3-related disorder. Also called: LHX3-related condition.

gnomAD v4.1: 48 of 1,528,744 alleles (0.0031%); highest among the groups gnomAD compares: African/African-American, 0.043%; no homozygotes.

Submissions (3):

PreventionGenetics, part of Exact Sciences
Classification: Uncertain significance for LHX3-related condition. Last evaluated: 2026-04-12. Review status: criteria provided, single submitter. Criteria: ACMG Guidelines, 2015. Collection method: clinical testing. Allele origin: germline.
Comment: The LHX3 c.986C>T variant is predicted to result in the amino acid substitution p.Pro329Leu. To our knowledge, this variant has not been reported in the literature. This variant is reported in 0.033% of alleles in individuals of African descent in gnomAD. At this time, the clinical significance of this variant is uncertain due to the absence of conclusive functional and genetic evidence.

Women's Health and Genetics/Laboratory Corporation of America, LabCorp
Classification: Uncertain significance. Last evaluated: 2025-06-02. Review status: criteria provided, single submitter. Criteria: LabCorp Variant Classification Summary - May 2015. Collection method: clinical testing. Allele origin: germline.
Comment: Variant summary: LHX3 c.986C>T (p.Pro329Leu) results in a non-conservative amino acid change in the encoded protein sequence. Algorithms developed to predict the effect of missense changes on protein structure and function are either unavailable or do not agree on the potential impact of this missense change. The variant allele was found at a frequency of 2.3e-05 in 132278 control chromosomes. The available data on variant occurrences in the general population are insufficient to allow any conclusion about variant significance. To our knowledge, no occurrence of c.986C>T in individuals affected with Combined Pituitary Hormone Deficiency and no experimental evidence demonstrating its impact on protein function have been reported. No submitters have cited clinical-significance assessments for this variant to ClinVar. Based on the evidence outlined above, the variant was classified as uncertain significance.

Blueprint Genetics
Classification: Uncertain significance. Last evaluated: 2022-07-08. Review status: criteria provided, single submitter. Criteria: ACMG Guidelines, 2015. Collection method: clinical testing. Allele origin: germline.